The following is an entry in ClinVar:

NM_001849.4(COL6A2):c.1162G>A (p.Gly388Arg)

Gene: COL6A2 (collagen type VI alpha 2 chain; plus strand). Cytogenetic location: 21q22.3.
Variant type: single nucleotide variant.
Coding change: c.1162G>A on transcript NM_001849.4 (MANE Select); coding-DNA position 1162, G replaced by A.
Protein change: p.Gly388Arg; replaces glycine 388 with arginine.
Molecular consequence: missense variant.
Genome position (GRCh38, 1-based): chr21:46,118,659, G>A. VCF-style: chr21-46118659-G-A. GRCh37 (hg19) VCF-style: chr21-47538573-G-A.
Other names: c.1162G>A, p.Gly388Arg (NM_058174.3, NM_058175.3); short protein forms G388R.
Identifiers: ClinVar variation 166930 (VCV000166930.16), dbSNP rs727503883, ClinGen allele CA233810.

ClinVar aggregate classification (germline): Conflicting classifications of pathogenicity. Review status: criteria provided, conflicting classifications (1 of 4 stars). 4 submissions from 4 submitters: Likely pathogenic (2); Uncertain significance (2). Last evaluated 2024-07-30.

Conditions:
Bethlem myopathy 1B (BTHLM1B). Identifiers: MedGen C5935580, MONDO:0958233, OMIM 620725.
Bethlem myopathy 1A. Also called: Bethlem Muscular Dystrophy; Bethlem myopathy 1; MYOPATHY, BENIGN CONGENITAL, WITH CONTRACTURES. Identifiers: Orphanet 610, MedGen CN029274, MONDO:0024530, OMIM 158810.

Allele frequency attached by ClinVar (database versions not stated): ExAC 0.00001; gnomAD exomes 0.00001.
gnomAD v4.1: 3 of 1,611,490 alleles (0.00019%); highest among the groups gnomAD compares: Admixed American, 0.0033%; no homozygotes.

Submissions (4):

Department of Human Genetics, Hannover Medical School
Classification: Likely pathogenic for Bethlem myopathy 1B. Last evaluated: 2024-07-30. Review status: criteria provided, single submitter. Criteria: ACMG Guidelines, 2015. Collection method: clinical testing. Allele origin: germline. Affected: yes.

GeneDx
Classification: Uncertain significance. Last evaluated: 2023-01-09. Review status: criteria provided, single submitter. Criteria: GeneDx Variant Classification Process June 2021. Collection method: clinical testing. Allele origin: germline. Affected: yes.
Comment: Replaces the glycine in the canonical Gly-X-Y repeat of the triple helical domain and is expected to disrupt normal protein folding and function, which is an established mechanism of disease (HGMD); In silico analysis supports that this missense variant has a deleterious effect on protein structure/function; Has not been previously published as pathogenic or benign to our knowledge

Labcorp Genetics (formerly Invitae), Labcorp
Classification: Uncertain significance for Bethlem myopathy 1A. Last evaluated: 2018-07-23. Review status: criteria provided, single submitter. Criteria: Invitae Variant Classification Sherloc (09022015). Collection method: clinical testing. Allele origin: germline.
Comment: This sequence change replaces glycine with arginine at codon 388 of the COL6A2 protein (p.Gly388Arg). The glycine residue is highly conserved and there is a moderate physicochemical difference between glycine and arginine. This variant is present in population databases (rs727503883, ExAC 0.01%). This variant has not been reported in the literature in individuals with COL6A2-related disease. ClinVar contains an entry for this variant (Variation ID: 166930). Algorithms developed to predict the effect of missense changes on protein structure and function are either unavailable or do not agree on the potential impact of this missense change (SIFT: "Deleterious"; PolyPhen-2: "Probably Damaging"; Align-GVGD: "Class C15"). Glycine residues within the Gly-Xaa-Yaa repeats of the triple helix domain are required for the structure and stability of fibrillar collagens (PMID: 7695699, 8218237, 19344236). In COL6A2, missense variants at these glycine residues are significantly enriched in individuals with disease (PMID: 15689448, 24038877) compared to the general population (ExAC). In summary, the available evidence is currently insufficient to determine the role of this variant in disease. Therefore, it has been classified as a Variant of Uncertain Significance.

Eurofins Ntd Llc (ga)
Classification: Likely pathogenic. Last evaluated: 2018-01-25. Review status: criteria provided, single submitter. Criteria: EGL Classification Definitions 2015. Collection method: clinical testing. Allele origin: germline. Observed: 2 variant alleles, 2 heterozygotes.

Literature cited by the submitters: PubMed 7695699 (cited by Labcorp Genetics (formerly Invitae), Labcorp); PubMed 8218237 (cited by Labcorp Genetics (formerly Invitae), Labcorp); PubMed 19344236 (cited by Labcorp Genetics (formerly Invitae), Labcorp); PubMed 15689448 (cited by Labcorp Genetics (formerly Invitae), Labcorp); PubMed 24038877 (cited by Labcorp Genetics (formerly Invitae), Labcorp).